The following is an entry in ClinVar:

ClinVar aggregate classification (germline): Uncertain significance. Review status: criteria provided, multiple submitters, no conflicts (2 of 4 stars). 2 submissions from 2 submitters: Uncertain significance (2). Last evaluated 2025-02-20.

Conditions:
Colorectal cancer, susceptibility to, 1. Also called: COLORECTAL ADENOMA AND CANCER, SUSCEPTIBILITY TO; COLORECTAL CANCER, SUSCEPTIBILITY TO, ON CHROMOSOME 9. Identifiers: MedGen C1837315, MONDO:0012132, OMIM 608812.

Allele frequency attached by ClinVar (database versions not stated): TOPMed below 0.00001; gnomAD 0.00001.
gnomAD v4.1: 1 of 1,613,666 alleles (0.000062%); highest among the groups gnomAD compares: African/African-American, 0.0013%; no homozygotes.

Submissions (2):

Ambry Genetics
Classification: Uncertain significance. Last evaluated: 2025-02-20. Review status: criteria provided, single submitter. Criteria: Ambry Variant Classification Scheme 2023. Collection method: clinical testing. Allele origin: germline.
Comment: The p.A148V variant (also known as c.443C>T), located in coding exon 2 of the GALNT12 gene, results from a C to T substitution at nucleotide position 443. The alanine at codon 148 is replaced by valine, an amino acid with similar properties. This amino acid position is conserved. In addition, this alteration is predicted to be deleterious by in silico analysis. Since supporting evidence is limited at this time, the clinical significance of this alteration remains unclear.

Baylor Genetics
Classification: Uncertain significance for Colorectal cancer, susceptibility to, 1. Last evaluated: 2023-11-02. Review status: criteria provided, single submitter. Criteria: ACMG Guidelines, 2015. Collection method: clinical testing. Allele origin: unknown.

NM_024642.5(GALNT12):c.443C>T (p.Ala148Val)

Gene: GALNT12 (polypeptide N-acetylgalactosaminyltransferase 12; plus strand). Cytogenetic location: 9q22.33.
Variant type: single nucleotide variant.
Coding change: c.443C>T on transcript NM_024642.5 (MANE Select); coding-DNA position 443, C replaced by T.
Protein change: p.Ala148Val; replaces alanine 148 with valine.
Molecular consequence: missense variant.
Genome position (GRCh38, 1-based): chr9:98,823,327, C>T. VCF-style: chr9-98823327-C-T. GRCh37 (hg19) VCF-style: chr9-101585609-C-T.
Other names: short protein forms A148V.
Identifiers: ClinVar variation 1740614 (VCV001740614.4), dbSNP rs1175927536, ClinGen allele CA374216719.